The following is an entry in ClinVar:

NM_001845.6(COL4A1):c.1381+8A>G

Genes: COL4A1 (collagen type IV alpha 1 chain; minus strand), LOC126861856 (BRD4-independent group 4 enhancer GRCh37_chr13:110846747-110847946; plus strand). Cytogenetic location: 13q34.
Variant type: single nucleotide variant.
Coding change: c.1381+8A>G on transcript NM_001845.6 (MANE Select); 8 bases into the intron after coding-DNA position 1381, A replaced by G.
Molecular consequence: intron variant.
Genome position (GRCh38, 1-based): chr13:110,195,015, T>C on the plus strand (A>G on the coding strand, the complement: COL4A1 is on the minus strand). VCF-style: chr13-110195015-T-C. GRCh37 (hg19) VCF-style: chr13-110847362-T-C.
Other names: c.1381+8A>G (NM_001303110.2).
Identifiers: ClinVar variation 789637 (VCV000789637.5), dbSNP rs1054421900, ClinGen allele CA256272385.

ClinVar aggregate classification (germline): Likely benign. Review status: criteria provided, multiple submitters, no conflicts (2 of 4 stars). 3 submissions from 3 submitters: Likely benign (3). Last evaluated 2025-07-22.

Conditions:
Hemorrhage, intracerebral, susceptibility to (ICH). Also called: Stroke, hemorrhagic, susceptibility to. Identifiers: MedGen C3281105, MONDO:0100533, OMIM 614519.
Brain small vessel disease 1 with or without ocular anomalies (BSVD1). Also called: PORENCEPHALY, TYPE 1, AUTOSOMAL DOMINANT; Brain small vessel disease with or without ocular anomalies; BRAIN SMALL VESSEL DISEASE WITH HEMORRHAGE; GOULD SYNDROME 1. Identifiers: Orphanet 2940, Orphanet 36383, Orphanet 99810, MedGen C4755307, MONDO:0008289, OMIM 175780.
Retinal arterial tortuosity. Also called: RETINAL HEMORRHAGE WITH VASCULAR TORTUOSITY; Retinal arteries, tortuosity of. Identifiers: Orphanet 75326, MedGen C0423401, MONDO:0008373, OMIM 180000, HP:0000631.
Autosomal dominant familial hematuria-retinal arteriolar tortuosity-contractures syndrome. Also called: Angiopathy, hereditary, with nephropathy, aneurysms, and muscle cramps; Hereditary Angiopathy with Nephropathy, Aneurysms, and Muscle Cramps (HANAC) Syndrome. Identifiers: Orphanet 73229, MedGen C2673195, MONDO:0012726, OMIM 611773.
Microangiopathy and leukoencephalopathy, pontine, autosomal dominant. Also called: DEMENTIA, HEREDITARY MULTI-INFARCT, SWEDISH TYPE; Pontine autosomal dominant microangiopathy with leukoencephalopathy. Identifiers: Orphanet 477749, MedGen C5231411, MONDO:0032814, OMIM 618564.

Allele frequency attached by ClinVar (database versions not stated): gnomAD exomes below 0.00001; gnomAD 0.00002; TOPMed 0.00002.
gnomAD v4.1: 10 of 1,612,732 alleles (0.00062%); highest among the groups gnomAD compares: African/African-American, 0.012%; no homozygotes.

Submissions (3):

Women's Health and Genetics/Laboratory Corporation of America, LabCorp
Classification: Likely benign. Last evaluated: 2025-07-22. Review status: criteria provided, single submitter. Criteria: LabCorp Variant Classification Summary - May 2015. Collection method: clinical testing. Allele origin: germline.
Comment: Variant summary: COL4A1 c.1381+8A>G alters a nucleotide located at a position not widely known to affect splicing. Consensus agreement among computation tools predict no significant impact on normal splicing. However, these predictions have yet to be confirmed by functional studies. The variant allele was found at a frequency of 4e-06 in 249974 control chromosomes (gnomAD). The available data on variant occurrences in the general population are insufficient to allow any conclusion about variant significance. To our knowledge, no occurrence of c.1381+8A>G in individuals affected with Porencephaly 1 and no experimental evidence demonstrating its impact on protein function have been reported. ClinVar contains an entry for this variant (Variation ID: 789637). Based on the evidence outlined above, the variant was classified as likely benign.

Fulgent Genetics
Classification: Likely benign for Brain small vessel disease 1 with or without ocular anomalies; Retinal arterial tortuosity; Autosomal dominant familial hematuria-retinal arteriolar tortuosity-contractures syndrome; Hemorrhage, intracerebral, susceptibility to; Microangiopathy and leukoencephalopathy, pontine, autosomal dominant. Last evaluated: 2022-02-23. Review status: criteria provided, single submitter. Criteria: ACMG Guidelines, 2015. Collection method: clinical testing. Allele origin: unknown.

Labcorp Genetics (formerly Invitae), Labcorp
Classification: Likely benign. Last evaluated: 2017-06-30. Review status: criteria provided, single submitter. Criteria: Invitae Variant Classification Sherloc (09022015). Collection method: clinical testing. Allele origin: germline.